The following is an entry in ClinVar:

ClinVar aggregate classification (germline): Conflicting classifications of pathogenicity. Review status: criteria provided, conflicting classifications (1 of 4 stars). 14 submissions from 10 submitters: Uncertain significance (7); Benign (2); Likely benign (5). Last evaluated 2025-04-16.

Conditions:
TTN-related disorder. Also called: TTN-related condition; TTN-related disease; TTN-related disorders.
Autosomal recessive limb-girdle muscular dystrophy type 2J (LGMDR10). Also called: Limb-girdle muscular dystrophy, type 2J; MUSCULAR DYSTROPHY, LIMB-GIRDLE, AUTOSOMAL RECESSIVE 10. Identifiers: Orphanet 140922, MedGen C1837342, MONDO:0012127, OMIM 608807.
Dilated cardiomyopathy 1G (CMD1G). Identifiers: Orphanet 154, MedGen C1858763, MONDO:0011400, OMIM 604145.
Cardiovascular phenotype. Identifiers: MedGen CN230736.
Early-onset myopathy with fatal cardiomyopathy (CMYO5). Also called: Salih Myopathy; CONGENITAL MYOPATHY 5 WITH CARDIOMYOPATHY. Identifiers: Orphanet 289377, MedGen C2673677, MONDO:0012714, OMIM 611705. Disease mechanism: loss of function.
Myopathy, myofibrillar, 9, with early respiratory failure (MFM9). Also called: EDSTROM MYOPATHY; MYOPATHY, PROXIMAL, WITH EARLY RESPIRATORY MUSCLE INVOLVEMENT; Myopathy, distal, with early respiratory failure, autosomal dominant; Hereditary myopathy with early respiratory failure. Identifiers: Orphanet 178464, Orphanet 34521, MedGen C1863599, MONDO:0011362, OMIM 603689.
Tibial muscular dystrophy (TMD). Also called: Tibial muscular dystrophy, tardive; UDD MYOPATHY; Udd Distal Myopathy – Tibial Muscular Dystrophy. Identifiers: Orphanet 609, MedGen C1838244, MONDO:0010870, OMIM 600334.

Allele frequency attached by ClinVar (database versions not stated): gnomAD exomes 0.00010 and 0.00033; ExAC 0.00013; gnomAD 0.00015 and 0.00016; TOPMed 0.00015; ESP Exome Variant Server 0.00042.
gnomAD v4.1: 486 of 1,612,060 alleles (0.03%); highest among the groups gnomAD compares: Non-Finnish European, 0.04%; no homozygotes.

Submissions (14):

PreventionGenetics, part of Exact Sciences
Classification: Likely benign for TTN-related condition. Last evaluated: 2025-04-16. Review status: criteria provided, single submitter. Criteria: ACMG Guidelines, 2015. Collection method: clinical testing. Allele origin: germline.
Comment: This variant is classified as likely benign based on ACMG/AMP sequence variant interpretation guidelines (Richards et al. 2015 PMID: 25741868, with internal and published modifications).

Revvity Omics, Revvity
Classification: Likely benign. Last evaluated: 2025-01-24. Review status: criteria provided, single submitter. Criteria: ACMG Guidelines, 2015. Collection method: clinical testing. Allele origin: germline.

Women's Health and Genetics/Laboratory Corporation of America, LabCorp
Classification: Uncertain significance. Last evaluated: 2024-09-23. Review status: criteria provided, single submitter. Criteria: LabCorp Variant Classification Summary - May 2015. Collection method: clinical testing. Allele origin: germline.
Comment: Variant summary: TTN c.44078G>A (p.Arg14693Gln) results in a conservative amino acid change located in the A-band of the encoded protein sequence. Four of four in-silico tools predict a benign effect of the variant on protein function. The variant allele was found at a frequency of 0.0001 in 246584 control chromosomes (gnomAD). This frequency is not significantly higher than estimated for a pathogenic variant in TTN causing Dilated Cardiomyopathy (0.0001 vs 0.00039), allowing no conclusion about variant significance. c.44078G>A has been reported in the literature in at least an individual affected with hypertrophic cardiomyopathy (example: Lopes_2013) These report(s) do not provide unequivocal conclusions about association of the variant with Dilated Cardiomyopathy. To our knowledge, no experimental evidence demonstrating an impact on protein function has been reported. The following publications have been ascertained in the context of this evaluation (PMID: 30021846, 23396983). ClinVar contains an entry for this variant (Variation ID: 202697). Based on the evidence outlined above, the variant was classified as uncertain significance.

Blueprint Genetics
Classification: Likely benign. Last evaluated: 2024-08-29. Review status: criteria provided, single submitter. Criteria: ACMG Guidelines, 2015. Collection method: clinical testing. Allele origin: germline.

CeGaT Center for Human Genetics Tuebingen
Classification: Uncertain significance. Last evaluated: 2024-05-01. Review status: criteria provided, single submitter. Criteria: CeGaT Center For Human Genetics Tuebingen Variant Classification Criteria Version 2. Collection method: clinical testing. Allele origin: germline. Affected: yes. Observed: 1 variant allele.
Comment: TTN: PM2, BP4

GeneDx
Classification: Likely benign. Last evaluated: 2020-09-18. Review status: criteria provided, single submitter. Criteria: GeneDx Variant Classification Process June 2021. Collection method: clinical testing. Allele origin: germline. Affected: yes.

Illumina Laboratory Services, Illumina
Classification: Uncertain significance for Dilated cardiomyopathy 1G. Last evaluated: 2018-01-13. Review status: criteria provided, single submitter. Criteria: ICSL Variant Classification Criteria 13 December 2019. Collection method: clinical testing. Allele origin: germline.

Illumina Laboratory Services, Illumina
Classification: Benign for Tibial muscular dystrophy. Last evaluated: 2018-01-13. Review status: criteria provided, single submitter. Criteria: ICSL Variant Classification Criteria 13 December 2019. Collection method: clinical testing. Allele origin: germline.
Comment: This variant was observed in the ICSL laboratory as part of a predisposition screen in an ostensibly healthy population. It had not been previously curated by ICSL or reported in the Human Gene Mutation Database (HGMD: prior to June 1st, 2018), and was therefore a candidate for classification through an automated scoring system. Utilizing variant allele frequency, disease prevalence and penetrance estimates, and inheritance mode, an automated score was calculated to assess if this variant is too frequent to cause the disease. Based on the score and internal cut-off values, a variant classified as benign is not then subjected to further curation. The score for this variant resulted in a classification of benign for this disease.

Illumina Laboratory Services, Illumina
Classification: Benign for Myopathy, myofibrillar, 9, with early respiratory failure. Last evaluated: 2018-01-13. Review status: criteria provided, single submitter. Criteria: ICSL Variant Classification Criteria 13 December 2019. Collection method: clinical testing. Allele origin: germline.
Comment: the same text as in the submission from Illumina Laboratory Services, Illumina above.

Illumina Laboratory Services, Illumina
Classification: Uncertain significance for Early-onset myopathy with fatal cardiomyopathy. Last evaluated: 2018-01-13. Review status: criteria provided, single submitter. Criteria: ICSL Variant Classification Criteria 13 December 2019. Collection method: clinical testing. Allele origin: germline.

Illumina Laboratory Services, Illumina
Classification: Uncertain significance for Autosomal recessive limb-girdle muscular dystrophy type 2J. Last evaluated: 2018-01-13. Review status: criteria provided, single submitter. Criteria: ICSL Variant Classification Criteria 13 December 2019. Collection method: clinical testing. Allele origin: germline.

Labcorp Genetics (formerly Invitae), Labcorp
Classification: Uncertain significance for Dilated cardiomyopathy 1G; Autosomal recessive limb-girdle muscular dystrophy type 2J. Last evaluated: 2017-05-23. Review status: criteria provided, single submitter. Criteria: Invitae Variant Classification Sherloc (09022015). Collection method: clinical testing. Allele origin: germline.

Laboratory for Molecular Medicine, Mass General Brigham Personalized Medicine
Classification: Uncertain significance. Last evaluated: 2015-03-20. Review status: criteria provided, single submitter. Criteria: LMM Criteria. Collection method: clinical testing. Allele origin: germline. Observed: 1 variant allele.
Comment: Variant classified as Uncertain Significance - Favor Benign. The p.Arg14693Gln v ariant in TTN has not been previously reported in individuals with cardiomyopath y, but has been identified in 14/66106 European chromosomes by the Exome Aggrega tion Consortium (ExAC; dbSNP rs201825412). Argin ine (Arg) at position 14693 is not conserved in evolutionarily distant species a nd 3 species (painted turtle, lizard, and frog) carry a glutamine (Gln) at this position, raising the possibility that this change may be tolerated. Additional computational prediction tools do not provide strong support for or against an i mpact to the protein. In summary, while the clinical significance of the p.Arg14 693Gln variant is uncertain, the present of the variant amino acid in multiple o ther species suggests that it is more likely to be benign.

Ambry Genetics
Classification: Likely benign for Cardiovascular phenotype. Last evaluated: 2013-07-31. Review status: criteria provided, single submitter. Criteria: Ambry Autosomal Dominant and X-Linked criteria (10/2015). Collection method: clinical testing. Allele origin: germline. Observed: 1 variant allele.

Literature cited by the submitters: PubMed 23396983 (cited by Women's Health and Genetics/Laboratory Corporation of America, LabCorp); PubMed 30021846 (cited by Women's Health and Genetics/Laboratory Corporation of America, LabCorp).

NM_001267550.2(TTN):c.51782G>A (p.Arg17261Gln)

Genes: TTN (titin; minus strand), TTN-AS1 (TTN antisense RNA 1; plus strand). Cytogenetic location: 2q31.2.
Variant type: single nucleotide variant.
Coding change: c.51782G>A on transcript NM_001267550.2 (MANE Select); coding-DNA position 51782, G replaced by A.
Protein change: p.Arg17261Gln; replaces arginine 17261 with glutamine.
Molecular consequence: missense variant.
Genome position (GRCh38, 1-based): chr2:178,609,528, C>T on the plus strand (G>A on the coding strand, the complement: TTN is on the minus strand). VCF-style: chr2-178609528-C-T. GRCh37 (hg19) VCF-style: chr2-179474255-C-T.
Other names: p.R15620Q:CGA>CAA; c.24587G>A, p.Arg8196Gln (NM_003319.4); c.24962G>A, p.Arg8321Gln (NM_133432.3); c.25163G>A, p.Arg8388Gln (NM_133437.4); c.46859G>A, p.Arg15620Gln (NM_001256850.1); c.44078G>A, p.Arg14693Gln (NM_133378.4); short protein forms R15620Q, R17261Q, R14693Q, R8321Q, R8388Q, R8196Q.
Identifiers: ClinVar variation 202697 (VCV000202697.38), dbSNP rs201825412, ClinGen allele CA310013.